The following is an entry in ClinVar:

ClinVar aggregate classification (germline): Uncertain significance (1 of 4 stars; one submission).

Conditions:
Renal cell carcinoma. Identifiers: Orphanet 217071, MedGen C0007134, MeSH D002292, MONDO:0005086, HP:0005584.

Allele frequency attached by ClinVar (database versions not stated): gnomAD exomes below 0.00001.
gnomAD v4.1: 1 of 1,614,164 alleles (0.000062%); highest among the groups gnomAD compares: Non-Finnish European, 0.000085%; no homozygotes.

Submission:

Labcorp Genetics (formerly Invitae), Labcorp
Classification: Uncertain significance for Renal cell carcinoma. Last evaluated: 2023-03-07. Review status: criteria provided, single submitter. Criteria: Invitae Variant Classification Sherloc (09022015). Collection method: clinical testing. Allele origin: germline.
Comment: Advanced modeling of protein sequence and biophysical properties (such as structural, functional, and spatial information, amino acid conservation, physicochemical variation, residue mobility, and thermodynamic stability) performed at Invitae indicates that this missense variant is expected to disrupt MET protein function. In summary, the available evidence is currently insufficient to determine the role of this variant in disease. Therefore, it has been classified as a Variant of Uncertain Significance. This variant has not been reported in the literature in individuals affected with MET-related conditions. This variant is not present in population databases (gnomAD no frequency). This sequence change replaces glycine, which is neutral and non-polar, with arginine, which is basic and polar, at codon 1317 of the MET protein (p.Gly1317Arg).

NM_000245.4(MET):c.3895G>C (p.Gly1299Arg)

Gene: MET (MET proto-oncogene, receptor tyrosine kinase; plus strand). Cytogenetic location: 7q31.2.
Variant type: single nucleotide variant.
Coding change: c.3895G>C on transcript NM_000245.4 (MANE Select); coding-DNA position 3895, G replaced by C.
Protein change: p.Gly1299Arg; replaces glycine 1299 with arginine.
Molecular consequence: missense variant.
Genome position (GRCh38, 1-based): chr7:116,795,751, G>C. VCF-style: chr7-116795751-G-C. GRCh37 (hg19) VCF-style: chr7-116435805-G-C.
Other names: c.3949G>C, p.Gly1317Arg (NM_001127500.3); c.2605G>C, p.Gly869Arg (NM_001324402.2); short protein forms G1299R, G869R, G1317R.
Identifiers: ClinVar variation 2843226 (VCV002843226.3), dbSNP rs2117108658, ClinGen allele CA369117933.